The following is an entry in ClinVar:

ClinVar aggregate classification (germline): Uncertain significance (1 of 4 stars; one submission).

Conditions:
Inborn genetic diseases. Identifiers: MedGen C0950123, MeSH D030342.

gnomAD v4.1: 2 of 1,614,146 alleles (0.00012%); highest among the groups gnomAD compares: South Asian, 0.0022%; no homozygotes.

Submission:

Ambry Genetics
Classification: Uncertain significance for Inborn genetic diseases. Last evaluated: 2025-10-27. Review status: criteria provided, single submitter. Criteria: Ambry Variant Classification Scheme 2023. Collection method: clinical testing. Allele origin: germline.
Comment: The p.D1057E variant (also known as c.3171T>A), located in coding exon 13 of the ASXL1 gene, results from a T to A substitution at nucleotide position 3171. The aspartic acid at codon 1057 is replaced by glutamic acid, an amino acid with highly similar properties. This amino acid position is conserved. In addition, this alteration is predicted to be tolerated by in silico analysis. Based on the available evidence, the clinical significance of this variant remains unclear.

NM_015338.6(ASXL1):c.3171T>A (p.Asp1057Glu)

Gene: ASXL1 (ASXL transcriptional regulator 1; plus strand). Cytogenetic location: 20q11.21.
Variant type: single nucleotide variant.
Coding change: c.3171T>A on transcript NM_015338.6 (MANE Select); coding-DNA position 3171, T replaced by A.
Protein change: p.Asp1057Glu; replaces aspartic acid 1057 with glutamic acid.
Molecular consequence: missense variant.
Genome position (GRCh38, 1-based): chr20:32,435,883, T>A. VCF-style: chr20-32435883-T-A. GRCh37 (hg19) VCF-style: chr20-31023686-T-A.
Other names: c.2988T>A, p.Asp996Glu (NM_001363734.1); short protein forms D1057E, D996E.
Identifiers: ClinVar variation 4588190 (VCV004588190.1).